The following is an entry in ClinVar:

ClinVar aggregate classification (germline): Uncertain significance (1 of 4 stars; one submission).

Allele frequency attached by ClinVar (database versions not stated): gnomAD 0.00001; 1000 Genomes Project 30x 0.00016; 1000 Genomes Project 0.00020.
gnomAD v4.1: 6 of 1,611,782 alleles (0.00037%); highest among the groups gnomAD compares: Non-Finnish European, 0.00051%; no homozygotes.

Submission:

Labcorp Genetics (formerly Invitae), Labcorp
Classification: Uncertain significance. Last evaluated: 2023-03-17. Review status: criteria provided, single submitter. Criteria: Invitae Variant Classification Sherloc (09022015). Collection method: clinical testing. Allele origin: germline.
Comment: In summary, the available evidence is currently insufficient to determine the role of this variant in disease. Therefore, it has been classified as a Variant of Uncertain Significance. An algorithm developed to predict the effect of missense changes on protein structure and function (PolyPhen-2) suggests that this variant is likely to be disruptive. This variant has not been reported in the literature in individuals affected with TNFRSF11A-related conditions. This variant is not present in population databases (gnomAD no frequency). This sequence change replaces glycine, which is neutral and non-polar, with glutamic acid, which is acidic and polar, at codon 523 of the TNFRSF11A protein (p.Gly523Glu).

NM_003839.4(TNFRSF11A):c.1568G>A (p.Gly523Glu)

Gene: TNFRSF11A (TNF receptor superfamily member 11a; plus strand). Cytogenetic location: 18q21.33.
Variant type: single nucleotide variant.
Coding change: c.1568G>A on transcript NM_003839.4 (MANE Select); coding-DNA position 1568, G replaced by A.
Protein change: p.Gly523Glu; replaces glycine 523 with glutamic acid.
Molecular consequence: missense variant.
Genome position (GRCh38, 1-based): chr18:62,384,751, G>A. VCF-style: chr18-62384751-G-A. GRCh37 (hg19) VCF-style: chr18-60051984-G-A.
Other names: c.784G>A, p.Glu262Lys (NM_001270949.2); c.731G>A, p.Gly244Glu (NM_001270950.2); c.617G>A, p.Gly206Glu (NM_001270951.2); c.1526G>A, p.Gly509Glu (NM_001278268.2); short protein forms E262K, G244E, G509E, G206E, G523E.
Identifiers: ClinVar variation 2830194 (VCV002830194.3), dbSNP rs150973326, ClinGen allele CA301714551.
Genomic context (GRCh38, chr18:62,384,751, plus strand): 5'-CAGACCCTGCCTCCGGGCGCTGACTCACCCTCCCCGTGTTCTCCCTTCCTCTCCCCGCAG[G>A]AAATGTGACTGGAAACAGTAACTCCACGTTCATCTCCAGCGGGCAGGTGATGAACTTCAA-3'
Protein context (NP_003830.1, residues 513-533): SSPGGQSPAS[Gly523Glu]NVTGNSNSTF